The following is an entry in ClinVar:

ClinVar aggregate classification (germline): Uncertain significance (0 of 4 stars; one submission).

Submission:

New York Genome Center
Classification: Uncertain significance. Last evaluated: 2020-02-05. Review status: no assertion criteria provided. Collection method: clinical testing. Allele origin: maternal. Affected: yes. Observed: 1 heterozygote.
Comment: The ChrX:31569600-32099659dup variant duplicates exons 45-55 of the DMD gene and is predicted to lead to an in-frame consequence. This variant is absent from gnomAD SVs v2.1. While in silico algorithms predict this to be an in-frame duplication, the exact functional consequence of the duplication observed in this individual is uncertain.

Literature cited by the submitters: PubMed 16917894; PubMed 30816495.

Single allele

Gene: DMD (dystrophin; minus strand). Cytogenetic location: Xp21.1.
Variant type: Duplication.
Identifiers: ClinVar variation 977457 (VCV000977457.2).